The following is an entry in ClinVar:

ClinVar aggregate classification (germline): Pathogenic. Review status: reviewed by expert panel (3 of 4 stars). 10 submissions from 10 submitters: Pathogenic (1). 9 of the submissions do not count toward it. Last evaluated 2016-09-08.

Conditions:
Hereditary cancer-predisposing syndrome. Also called: Tumor predisposition; Hereditary Cancer Syndrome; Neoplastic Syndromes, Hereditary; Hereditary neoplastic syndrome. Identifiers: Orphanet 140162, MedGen C0027672, MeSH D009386, MONDO:0015356.
Hereditary breast ovarian cancer syndrome. Also called: Hereditary breast and ovarian cancer; Breast and ovarian cancer; Hereditary breast and/or ovarian cancer syndrome; BRCA1- and BRCA2-Associated Hereditary Breast and Ovarian Cancer; Hereditary breast and ovarian cancer syndrome; Hereditary breast and ovarian cancer syndrome (HBOC). Identifiers: Orphanet 145, MedGen C0677776, MeSH D061325, MONDO:0003582. Disease mechanism: loss of function.
Breast-ovarian cancer, familial, susceptibility to, 2 (BROVCA2). Also called: BRCA2 Hereditary Breast and Ovarian Cancer. Identifiers: Orphanet 145, MedGen C2675520, MONDO:0012933, OMIM 612555. Disease mechanism: loss of function.
Familial cancer of breast. Also called: BREAST CANCER, FAMILIAL; Hereditary breast cancer; hereditary breast carcinoma. Identifiers: Orphanet 227535, MedGen C0346153, MONDO:0016419, OMIM 114480. Disease mechanism: loss of function.

Submissions (10):

Evidence-based Network for the Interpretation of Germline Mutant Alleles (ENIGMA)
Classification: Pathogenic for Breast-ovarian cancer, familial, susceptibility to, 2. Last evaluated: 2016-09-08. Review status: reviewed by expert panel. Criteria: ENIGMA BRCA1/2 Classification Criteria (2015). Collection method: curation. Allele origin: germline.
Comment: Variant allele predicted to encode a truncated non-functional protein.

Labcorp Genetics (formerly Invitae), Labcorp
Classification: Pathogenic for Hereditary breast ovarian cancer syndrome. Last evaluated: 2026-01-20. Review status: criteria provided, single submitter. Criteria: Invitae Variant Classification Sherloc (09022015). Collection method: clinical testing. Allele origin: germline. Not counted in ClinVar's aggregate classification.
Comment: This sequence change creates a premature translational stop signal (p.Thr2880Asnfs*26) in the BRCA2 gene. It is expected to result in an absent or disrupted protein product. Loss-of-function variants in BRCA2 are known to be pathogenic (PMID: 20104584). This variant is not present in population databases (gnomAD no frequency). This premature translational stop signal has been observed in individual(s) with personal and/or family history of breast or ovarian cancer (PMID: 25863477). ClinVar contains an entry for this variant (Variation ID: 254625). For these reasons, this variant has been classified as Pathogenic.

Baylor Genetics
Classification: Pathogenic for Familial cancer of breast. Last evaluated: 2024-03-27. Review status: criteria provided, single submitter. Criteria: ACMG Guidelines, 2015. Collection method: clinical testing. Allele origin: unknown. Not counted in ClinVar's aggregate classification.

Quest Diagnostics Nichols Institute San Juan Capistrano
Classification: Pathogenic. Last evaluated: 2024-03-21. Review status: criteria provided, single submitter. Criteria: Quest Diagnostics criteria. Collection method: clinical testing. Allele origin: unknown. Not counted in ClinVar's aggregate classification.
Comment: The BRCA2 c.8639_8640del (p.Thr2880Asnfs*26) variant alters the translational reading frame of the BRCA2 mRNA and causes the premature termination of BRCA2 protein synthesis. This variant has been reported in the published literature in individuals with personal or family history of breast cancer and/or ovarian cancer (PMIDs: 25863477 (2015), 32341426 (2020), and 33471991 (2021), see also LOVD). This variant has not been reported in large, multi-ethnic general populations (Genome Aggregation Database). Based on the available information, this variant is classified as pathogenic.

Ambry Genetics
Classification: Pathogenic for Hereditary cancer-predisposing syndrome. Last evaluated: 2023-08-07. Review status: criteria provided, single submitter. Criteria: Ambry Variant Classification Scheme 2023. Collection method: clinical testing. Allele origin: germline. Not counted in ClinVar's aggregate classification.
Comment: The c.8639_8640delCA pathogenic mutation, located in coding exon 20 of the BRCA2 gene, results from a deletion of two nucleotides at nucleotide positions 8639 to 8640, causing a translational frameshift with a predicted alternate stop codon (p.T2880Nfs*26). This alteration was identified in a study of 2403 Korean breast cancer patients at risk for hereditary breast and ovarian cancer (Kang E et al. Breast Cancer Res. Treat., 2015 May;151:157-68). This variant is considered to be rare based on population cohorts in the Genome Aggregation Database (gnomAD). In addition to the clinical data presented in the literature, this alteration is expected to result in loss of function by premature protein truncation or nonsense-mediated mRNA decay. As such, this alteration is interpreted as a disease-causing mutation.

All of Us Research Program, National Institutes of Health
Classification: Pathogenic for Breast-ovarian cancer, familial, susceptibility to, 2. Last evaluated: 2023-06-15. Review status: criteria provided, single submitter. Criteria: ACMG Guidelines, 2015. Collection method: clinical testing. Allele origin: germline. Inheritance: Autosomal dominant inheritance. Observed: 1 variant allele, 1 heterozygote. Not counted in ClinVar's aggregate classification.
Comment: This variant is predicted to result in loss of protein function through nonsense-mediated or protein truncation. Loss of function is an established mechanism of disease. This prediction has not been confirmed by functional studies. This variant has been reported in multiple individuals with Hereditary breast and ovarian cancer (PMID: 25863477, 32939053, 32341426, 29446198). This variant is absent from or rare in large population databases, including the Genome Aggregation Database.

This study involves interpretation of variants in research participants for the purpose of population health screening. Participant phenotype was not available at the time of variant classification. Additional details can be found in publication PMID: 35346344, PMCID: PMC8962531

Revvity Omics, Revvity
Classification: Pathogenic. Last evaluated: 2022-06-10. Review status: criteria provided, single submitter. Criteria: ACMG Guidelines, 2015. Collection method: clinical testing. Allele origin: germline. Not counted in ClinVar's aggregate classification.

Institute of Human Genetics, University of Leipzig Medical Center
Classification: Pathogenic for Familial cancer of breast. Last evaluated: 2022-03-14. Review status: criteria provided, single submitter. Criteria: ACMG Guidelines, 2015. Collection method: clinical testing. Allele origin: unknown. Affected: yes. Not counted in ClinVar's aggregate classification.
Comment: _x000D_ Criteria applied: PVS1, PS4_MOD, PM2_SUP

Color Diagnostics, LLC DBA Color Health
Classification: Pathogenic for Hereditary cancer-predisposing syndrome. Last evaluated: 2020-01-15. Review status: criteria provided, single submitter. Criteria: ACMG Guidelines, 2015. Collection method: clinical testing. Allele origin: germline. Not counted in ClinVar's aggregate classification.
Comment: This variant deletes 2 nucleotides in exon 21 of the BRCA2 gene, creating a frameshift and premature translation stop signal. This variant is expected to result in an absent or non-functional protein product. This variant has not been identified in the general population by the Genome Aggregation Database (gnomAD). Loss of BRCA2 function is a known mechanism of disease. Based on the available evidence, this variant is classified as Pathogenic.

Consortium of Investigators of Modifiers of BRCA1/2 (CIMBA), c/o University of Cambridge
Classification: Pathogenic for Breast-ovarian cancer, familial, susceptibility to, 2. Last evaluated: 2015-10-02. Review status: criteria provided, single submitter. Criteria: CIMBA Mutation Classification guidelines May 2016. Collection method: clinical testing. Allele origin: germline. Not counted in ClinVar's aggregate classification.

Literature cited by the submitters: PubMed 20104584 (cited by Labcorp Genetics (formerly Invitae), Labcorp); PubMed 25863477 (cited by 4 submitters); PubMed 29446198 (cited by 3 submitters); PubMed 33471991 (cited by Quest Diagnostics Nichols Institute San Juan Capistrano); PubMed 32341426 (cited by Quest Diagnostics Nichols Institute San Juan Capistrano and All of Us Research Program, National Institutes of Health); PubMed 32939053 (cited by All of Us Research Program, National Institutes of Health).

NM_000059.4(BRCA2):c.8639_8640del (p.Thr2880fs)

Gene: BRCA2 (BRCA2 DNA repair associated; plus strand). Cytogenetic location: 13q13.1.
Variant type: Microsatellite.
Coding change: c.8639_8640del on transcript NM_000059.4 (MANE Select); coding-DNA positions 8639 to 8640, 2 bases deleted (CA; older notation c.8639_8640delCA).
Protein change: p.Thr2880fs; shifts the reading frame from threonine 2880.
Molecular consequence: frameshift variant.
Genome position (GRCh38, 1-based): chr13:32,376,676-32,376,677, CA deleted; deleting any 2 consecutive bases within chr13:32,376,673-32,376,677 gives the same sequence; the c. name uses the placement nearest the transcript's 3' end. VCF-style (leftmost placement, unchanged base first): chr13-32376672-AAC-A. GRCh37 (hg19) VCF-style: chr13-32950809-AAC-A.
Other names: c.8639_8640delCA (NM_000059.3); short protein forms T2880fs.
Identifiers: ClinVar variation 254625 (VCV000254625.28), dbSNP rs886038184, ClinGen allele CA10586591.
Genomic context (GRCh38, chr13:32,376,672, plus strand): 5'-GTTTTAGTTGCTTTTGAATTTACAGTTTAGTGAATTAATAATCCTTTTGTTTTCTTAGAA[AAC>A]ACAACAAAACCATATTTACCATCACGTGCACTAACAAGACAGCAAGTTCGTGCTTTGCAA-3'